The following is an entry in ClinVar:

NM_052963.3(TOP1MT):c.1594G>A (p.Glu532Lys)

Gene: TOP1MT (DNA topoisomerase I mitochondrial; minus strand). Cytogenetic location: 8q24.3.
Variant type: single nucleotide variant.
Coding change: c.1594G>A on transcript NM_052963.3 (MANE Select); coding-DNA position 1594, G replaced by A.
Protein change: p.Glu532Lys; replaces glutamic acid 532 with lysine.
Molecular consequence: missense variant.
Genome position (GRCh38, 1-based): chr8:143,310,177, C>T on the plus strand (G>A on the coding strand, the complement: TOP1MT is on the minus strand). VCF-style: chr8-143310177-C-T. GRCh37 (hg19) VCF-style: chr8-144392347-C-T.
Other names: c.1300G>A, p.Glu434Lys (NM_001258446.1, NM_001258447.1); short protein forms E434K, E532K.
Identifiers: ClinVar variation 3698099 (VCV003698099.2).

ClinVar aggregate classification (germline): Uncertain significance (1 of 4 stars; one submission).

gnomAD v4.1: 1 of 1,602,858 alleles (0.000062%); highest among the groups gnomAD compares: Non-Finnish European, 0.000085%; no homozygotes.

Submission:

Labcorp Genetics (formerly Invitae), Labcorp
Classification: Uncertain significance. Last evaluated: 2024-11-19. Review status: criteria provided, single submitter. Criteria: Invitae Variant Classification Sherloc (09022015). Collection method: clinical testing. Allele origin: germline.
Comment: This sequence change replaces glutamic acid, which is acidic and polar, with lysine, which is basic and polar, at codon 532 of the TOP1MT protein (p.Glu532Lys). This variant is not present in population databases (gnomAD no frequency). This variant has not been reported in the literature in individuals affected with TOP1MT-related conditions. Invitae Evidence Modeling of protein sequence and biophysical properties (such as structural, functional, and spatial information, amino acid conservation, physicochemical variation, residue mobility, and thermodynamic stability) indicates that this missense variant is not expected to disrupt TOP1MT protein function with a negative predictive value of 80%. In summary, the available evidence is currently insufficient to determine the role of this variant in disease. Therefore, it has been classified as a Variant of Uncertain Significance.